The following is an entry in ClinVar:

NM_016239.4(MYO15A):c.5133+15A>G

Gene: MYO15A (myosin XVA; plus strand). Cytogenetic location: 17p11.2.
Variant type: single nucleotide variant.
Coding change: c.5133+15A>G on transcript NM_016239.4 (MANE Select); 15 bases into the intron after coding-DNA position 5133, A replaced by G.
Molecular consequence: intron variant.
Genome position (GRCh38, 1-based): chr17:18,138,951, A>G. VCF-style: chr17-18138951-A-G. GRCh37 (hg19) VCF-style: chr17-18042265-A-G.
Identifiers: ClinVar variation 178442 (VCV000178442.43), dbSNP rs150128469, ClinGen allele CA182343.
Genomic context (GRCh38, chr17:18,138,951, plus strand): 5'-GCCTGAGTTCACCATCAAGCACTATGCAGGCAAGGTCACCTACCAGGTGAGCCCTAAGAC[A>G]GTCGGCCTGGACGCTGGTGCTGCAGTGCTGCTAGCTGTTGGAGACACAGAAGCACAACAC-3'

ClinVar aggregate classification (germline): Conflicting classifications of pathogenicity. Review status: criteria provided, conflicting classifications (1 of 4 stars). 6 submissions from 6 submitters: Uncertain significance (1); Benign (2); Likely benign (3). Last evaluated 2026-01-27.

Conditions:
Autosomal recessive nonsyndromic hearing loss 3. Also called: NEUROSENSORY NONSYNDROMIC RECESSIVE DEAFNESS 3. Identifiers: Orphanet 90636, MedGen C1838263, MONDO:0010860, OMIM 600316.

Allele frequency attached by ClinVar (database versions not stated): 1000 Genomes Project 30x 0.00094; 1000 Genomes Project 0.00120; gnomAD 0.00212 and 0.00214; TOPMed 0.00238; ExAC 0.00260; gnomAD exomes 0.00265 and 0.00294; ESP Exome Variant Server 0.00293.
gnomAD v4.1: 4,683 of 1,610,008 alleles (0.29%); highest among the groups gnomAD compares: Middle Eastern, 0.55%; 17 homozygotes.

Submissions (6):

Labcorp Genetics (formerly Invitae), Labcorp
Classification: Benign. Last evaluated: 2026-01-27. Review status: criteria provided, single submitter. Criteria: Invitae Variant Classification Sherloc (09022015). Collection method: clinical testing. Allele origin: germline.

Blueprint Genetics
Classification: Likely benign. Last evaluated: 2024-11-22. Review status: criteria provided, single submitter. Criteria: ACMG Guidelines, 2015. Collection method: clinical testing. Allele origin: germline.

CeGaT Center for Human Genetics Tuebingen
Classification: Likely benign. Last evaluated: 2022-12-01. Review status: criteria provided, single submitter. Criteria: CeGaT Center For Human Genetics Tuebingen Variant Classification Criteria Version 2. Collection method: clinical testing. Allele origin: germline. Affected: yes. Observed: 1 variant allele.
Comment: MYO15A: BS2

GeneDx
Classification: Likely benign. Last evaluated: 2020-06-16. Review status: criteria provided, single submitter. Criteria: GeneDx Variant Classification Process June 2021. Collection method: clinical testing. Allele origin: germline. Affected: yes.

Illumina Laboratory Services, Illumina
Classification: Uncertain significance for Autosomal recessive nonsyndromic hearing loss 3. Last evaluated: 2017-04-27. Review status: criteria provided, single submitter. Criteria: ICSL Variant Classification Criteria 13 December 2019. Collection method: clinical testing. Allele origin: germline.
Comment: This variant was observed as part of a predisposition screen in an ostensibly healthy population. A literature search was performed for the gene, cDNA change, and amino acid change (where applicable). Publications were found based on this search. However, the evidence from the literature, in combination with allele frequency data from public databases where available, was not sufficient to rule this variant in or out of causing disease. Therefore, this variant is classified as a variant of unknown significance.

Laboratory for Molecular Medicine, Mass General Brigham Personalized Medicine
Classification: Benign. Last evaluated: 2012-04-30. Review status: criteria provided, single submitter. Criteria: LMM Criteria. Collection method: clinical testing. Allele origin: germline. Observed: 7 variant alleles.
Comment: 5133+15A>G in Intron 18 of MYO15A: This variant is not expected to have clinical significance because it is not located within the conserved splice consensus se quence and has been identified in 0.4% (26/6846) of European American chromosome s from a broad population by the NHLBI Exome Sequencing Project (dbSNP rs150128469).

Literature cited by the submitters: PubMed 24498627 (cited by Illumina Laboratory Services, Illumina).